The following is an entry in ClinVar:

ClinVar aggregate classification (germline): Pathogenic (1 of 4 stars; one submission).

Allele frequency attached by ClinVar (database versions not stated): gnomAD 0.00001.
gnomAD v4.1: 1 of 1,614,020 alleles (0.000062%); highest among the groups gnomAD compares: Non-Finnish European, 0.000085%; no homozygotes.

Submission:

Labcorp Genetics (formerly Invitae), Labcorp
Classification: Pathogenic. Last evaluated: 2022-06-28. Review status: criteria provided, single submitter. Criteria: Invitae Variant Classification Sherloc (09022015). Collection method: clinical testing. Allele origin: germline.
Comment: This sequence change creates a premature translational stop signal (p.Gln62*) in the CSGALNACT1 gene. It is expected to result in an absent or disrupted protein product. Loss-of-function variants in CSGALNACT1 are known to be pathogenic (PMID: 21148564, 27599773, 31325655). This variant is not present in population databases (gnomAD no frequency). This variant has not been reported in the literature in individuals affected with CSGALNACT1-related conditions. For these reasons, this variant has been classified as Pathogenic.

Literature cited by the submitters: PubMed 21148564; PubMed 27599773; PubMed 31325655.

NM_001354483.2(CSGALNACT1):c.184C>T (p.Gln62Ter)

Gene: CSGALNACT1 (chondroitin sulfate N-acetylgalactosaminyltransferase 1; minus strand). Cytogenetic location: 8p21.3.
Variant type: single nucleotide variant.
Coding change: c.184C>T on transcript NM_001354483.2 (MANE Select); coding-DNA position 184, C replaced by T.
Protein change: p.Gln62Ter; replaces glutamine 62 with a stop codon.
Molecular consequence: nonsense. On other transcripts: non-coding transcript variant (7).
Genome position (GRCh38, 1-based): chr8:19,505,651, G>A on the plus strand (C>T on the coding strand, the complement: CSGALNACT1 is on the minus strand). VCF-style: chr8-19505651-G-A. GRCh37 (hg19) VCF-style: chr8-19363162-G-A.
Other names: c.184C>T, p.Gln62Ter (NM_001130518.2, NM_001354475.2, NM_001354476.2 and 18 more transcripts); short protein forms Q62*.
Identifiers: ClinVar variation 2161347 (VCV002161347.1), dbSNP rs1244948993, ClinGen allele CA370462052.